The following is an entry in ClinVar:

ClinVar aggregate classification (germline): Uncertain significance. Review status: criteria provided, multiple submitters, no conflicts (2 of 4 stars). 2 submissions from 2 submitters: Uncertain significance (2). Last evaluated 2025-08-19.

Conditions:
Inborn genetic diseases. Identifiers: MedGen C0950123, MeSH D030342.

Allele frequency attached by ClinVar (database versions not stated): TOPMed 0.00007; 1000 Genomes Project 0.00040; 1000 Genomes Project 30x 0.00047.
gnomAD v4.1: 42 of 1,614,068 alleles (0.0026%); highest among the groups gnomAD compares: Admixed American, 0.015%; no homozygotes.

Submissions (2):

Ambry Genetics
Classification: Uncertain significance for Inborn genetic diseases. Last evaluated: 2025-08-19. Review status: criteria provided, single submitter. Criteria: Ambry Variant Classification Scheme 2023. Collection method: clinical testing. Allele origin: germline.

Labcorp Genetics (formerly Invitae), Labcorp
Classification: Uncertain significance. Last evaluated: 2024-09-09. Review status: criteria provided, single submitter. Criteria: Invitae Variant Classification Sherloc (09022015). Collection method: clinical testing. Allele origin: germline.
Comment: This sequence change replaces arginine, which is basic and polar, with tryptophan, which is neutral and slightly polar, at codon 1668 of the SPEG protein (p.Arg1668Trp). This variant is present in population databases (rs542443881, gnomAD 0.009%). This variant has not been reported in the literature in individuals affected with SPEG-related conditions. ClinVar contains an entry for this variant (Variation ID: 2158538). An algorithm developed to predict the effect of missense changes on protein structure and function (PolyPhen-2) suggests that this variant is likely to be disruptive. In summary, the available evidence is currently insufficient to determine the role of this variant in disease. Therefore, it has been classified as a Variant of Uncertain Significance.

NM_005876.5(SPEG):c.5002C>T (p.Arg1668Trp)

Gene: SPEG (striated muscle enriched protein kinase; plus strand). Cytogenetic location: 2q35.
Variant type: single nucleotide variant.
Coding change: c.5002C>T on transcript NM_005876.5 (MANE Select); coding-DNA position 5002, C replaced by T.
Protein change: p.Arg1668Trp; replaces arginine 1668 with tryptophan.
Molecular consequence: missense variant.
Genome position (GRCh38, 1-based): chr2:219,478,080, C>T. VCF-style: chr2-219478080-C-T. GRCh37 (hg19) VCF-style: chr2-220342802-C-T.
Other names: c.5002C>T (NM_005876.4); short protein forms R1668W.
Identifiers: ClinVar variation 2158538 (VCV002158538.3), dbSNP rs542443881, ClinGen allele CA2126693.